The following is an entry in ClinVar:

NM_005228.5(EGFR):c.2469+1G>A

Genes: EGFR-AS1 (EGFR antisense RNA 1; minus strand), EGFR (epidermal growth factor receptor; plus strand). Cytogenetic location: 7p11.2.
Variant type: single nucleotide variant.
Coding change: c.2469+1G>A on transcript NM_005228.5 (MANE Select); the canonical splice donor site of the intron after coding-DNA position 2469, G replaced by A.
Molecular consequence: splice donor variant. On other transcripts: non-coding transcript variant (1).
Genome position (GRCh38, 1-based): chr7:55,181,479, G>A. VCF-style: chr7-55181479-G-A. GRCh37 (hg19) VCF-style: chr7-55249172-G-A.
Other names: c.2334+1G>A (NM_001346899.2, NM_001346897.2); c.1668+1G>A (NM_001346941.2); c.2469+1G>A (NM_001346898.2); c.2310+1G>A (NM_001346900.2).
Identifiers: ClinVar variation 2104454 (VCV002104454.4), dbSNP rs2128958905, ClinGen allele CA367579077.
Genomic context (GRCh38, chr7:55,181,479, plus strand): 5'-GAACACAAAGACAATATTGGCTCCCAGTACCTGCTCAACTGGTGTGTGCAGATCGCAAAG[G>A]TAATCAGGGAAGGGAGATACGGGGAGGGGAGATAAGGAGCCAGGATCCTCACATGCGGTC-3'

ClinVar aggregate classification (germline): Likely pathogenic (1 of 4 stars; one submission).

Conditions:
EGFR-related lung cancer (EGFR). Identifiers: MedGen CN130014.

Submission:

Labcorp Genetics (formerly Invitae), Labcorp
Classification: Likely pathogenic for EGFR-related lung cancer. Last evaluated: 2022-02-28. Review status: criteria provided, single submitter. Criteria: Invitae Variant Classification Sherloc (09022015). Collection method: clinical testing. Allele origin: germline.
Comment: This variant is not present in population databases (gnomAD no frequency). This sequence change affects a donor splice site in intron 20 of the EGFR gene. It is expected to disrupt RNA splicing. Variants that disrupt the donor or acceptor splice site typically lead to a loss of protein function (PMID: 16199547), and loss-of-function variants in EGFR are known to be pathogenic (PMID: 7630400, 28726809, 29899996). This variant has not been reported in the literature in individuals affected with EGFR-related conditions. Algorithms developed to predict the effect of sequence changes on RNA splicing suggest that this variant may disrupt the consensus splice site. In summary, the currently available evidence indicates that the variant is pathogenic, but additional data are needed to prove that conclusively. Therefore, this variant has been classified as Likely Pathogenic.

Literature cited by the submitters: PubMed 16199547; PubMed 7630400; PubMed 28726809; PubMed 29899996.